The following is an entry in ClinVar:

NM_000038.6(APC):c.7632A>G (p.Ser2544=)

Gene: APC (APC regulator of Wnt signaling pathway; plus strand). Cytogenetic location: 5q22.2.
Variant type: single nucleotide variant.
Coding change: c.7632A>G on transcript NM_000038.6 (MANE Select); coding-DNA position 7632, A replaced by G.
Protein change: p.Ser2544=; no amino-acid change (serine 2544 retained).
Molecular consequence: synonymous variant.
Genome position (GRCh38, 1-based): chr5:112,843,226, A>G. VCF-style: chr5-112843226-A-G. GRCh37 (hg19) VCF-style: chr5-112178923-A-G.
Other names: c.7632A>G, p.Ser2544= (NM_001127510.3, NM_001354895.2); c.7578A>G, p.Ser2526= (NM_001127511.3); c.7686A>G, p.Ser2562= (NM_001354896.2); c.7662A>G, p.Ser2554= (NM_001354897.2); c.7557A>G, p.Ser2519= (NM_001354898.2); c.7548A>G, p.Ser2516= (NM_001354899.2); c.7509A>G, p.Ser2503= (NM_001354900.2); c.7455A>G, p.Ser2485= (NM_001354901.2); and 5 more.
Identifiers: ClinVar variation 219455 (VCV000219455.15), dbSNP rs749324187, ClinGen allele CA048784.
Genomic context (GRCh38, chr5:112,843,226, plus strand): 5'-GCGCCATGATATTGCACGGTCTCATTCTGAAAGTCCTTCTAGACTTCCAATCAATAGGTC[A>G]GGAACCTGGAAACGTGAGCACAGCAAACATTCATCATCCCTTCCTCGAGTAAGCACTTGG-3'
Protein context (NP_000029.2, residues 2534-2554): ESPSRLPINR[Ser2544=]GTWKREHSKH

ClinVar aggregate classification (germline): Benign/Likely benign. Review status: criteria provided, multiple submitters, no conflicts (2 of 4 stars). 5 submissions from 5 submitters: Benign (1); Likely benign (4). Last evaluated 2024-04-10.

Conditions:
Hereditary cancer-predisposing syndrome. Also called: Hereditary neoplastic syndrome; Tumor predisposition; Hereditary Cancer Syndrome; Neoplastic Syndromes, Hereditary. Identifiers: Orphanet 140162, MedGen C0027672, MeSH D009386, MONDO:0015356.
Familial adenomatous polyposis 1 (FAP1). Also called: FAMILIAL ADENOMATOUS POLYPOSIS 1, ATTENUATED; POLYPOSIS, ADENOMATOUS INTESTINAL. Identifiers: MedGen C2713442, MONDO:0021056, OMIM 175100. Disease mechanism: loss of function.

Allele frequency attached by ClinVar (database versions not stated): gnomAD exomes below 0.00001; ExAC 0.00001; gnomAD 0.00001.
gnomAD v4.1: 2 of 1,613,822 alleles (0.00012%); highest among the groups gnomAD compares: Non-Finnish European, 0.00017%; no homozygotes.

Submissions (5):

Myriad Genetics, Inc.
Classification: Benign for Familial adenomatous polyposis 1. Last evaluated: 2024-04-10. Review status: criteria provided, single submitter. Criteria: Myriad Autosomal Dominant, Autosomal Recessive and X-Linked Classification Criteria (2023). Collection method: clinical testing. Allele origin: unknown.
Comment: This variant is considered benign. This variant is a silent/synonymous amino acid change and it is not expected to impact splicing.

Labcorp Genetics (formerly Invitae), Labcorp
Classification: Likely benign for Familial adenomatous polyposis 1. Last evaluated: 2022-11-04. Review status: criteria provided, single submitter. Criteria: Invitae Variant Classification Sherloc (09022015). Collection method: clinical testing. Allele origin: germline.

Ambry Genetics
Classification: Likely benign for Hereditary cancer-predisposing syndrome. Last evaluated: 2019-05-19. Review status: criteria provided, single submitter. Criteria: Ambry Variant Classification Scheme 2023. Collection method: clinical testing. Allele origin: germline.

Color Diagnostics, LLC DBA Color Health
Classification: Likely benign for Hereditary cancer-predisposing syndrome. Last evaluated: 2017-06-08. Review status: criteria provided, single submitter. Criteria: ACMG Guidelines, 2015. Collection method: clinical testing. Allele origin: germline.

GeneDx
Classification: Likely benign. Last evaluated: 2016-11-18. Review status: criteria provided, single submitter. Criteria: GeneDx Variant Classification (06012015). Collection method: clinical testing. Allele origin: germline. Affected: yes.
Comment: This variant is considered likely benign or benign based on one or more of the following criteria: it is a conservative change, it occurs at a poorly conserved position in the protein, it is predicted to be benign by multiple in silico algorithms, and/or has population frequency not consistent with disease.